The following is an entry in ClinVar:

ClinVar aggregate classification (germline): Likely pathogenic (1 of 4 stars; one submission).

Conditions:
Usher syndrome type 1D (USH1D). Also called: USHER SYNDROME, TYPE ID. Identifiers: Orphanet 231169, Orphanet 886, MedGen C1832845, MONDO:0010984, OMIM 601067.

Submission:

Myriad Genetics, Inc.
Classification: Likely pathogenic for Usher syndrome type 1D. Last evaluated: 2022-02-12. Review status: criteria provided, single submitter. Criteria: Myriad Women's Health Autosomal Recessive and X-Linked Classification Criteria (2021). Collection method: clinical testing. Allele origin: unknown.
Comment: NM_033056.3(PCDH15):c.3907delT(Y1303Tfs*6) is expected to be pathogenic in the context of PCDH15-related disorders. This variant is predicted to lead to an abnormal or absent protein product due to the creation of a premature termination codon in PCDH15, a gene where loss-of-function variants are known to be pathogenic. Please note: this variant was assessed in the context of healthy population screening.

NM_001384140.1(PCDH15):c.3907del (p.Tyr1303fs)

Gene: PCDH15 (protocadherin related 15; minus strand). Cytogenetic location: 10q21.1.
Variant type: Deletion.
Coding change: c.3907del on transcript NM_001384140.1 (MANE Select); coding-DNA position 3907, one base deleted (T; older notation c.3907delT).
Protein change: p.Tyr1303fs; shifts the reading frame from tyrosine 1303.
Molecular consequence: frameshift variant.
Genome position (GRCh38, 1-based): chr10:53,840,396, A deleted on the plus strand (T on the coding strand, the reverse complement: PCDH15 is on the minus strand); the first of 2 consecutive A bases (chr10:53,840,396-53,840,397); deleting either gives the same sequence. VCF-style (leftmost placement, unchanged base first): chr10-53840395-TA-T. GRCh37 (hg19) VCF-style: chr10-55600155-TA-T.
Other names: c.3922del, p.Tyr1308fs (NM_001142763.2, NM_001142771.2); c.3907del, p.Tyr1303fs (NM_001142764.2, NM_001142766.2, NM_001142770.3 and 4 more transcripts); c.3694del, p.Tyr1232fs (NM_001142765.2); c.3796del, p.Tyr1266fs (NM_001142767.2); c.3841del, p.Tyr1281fs (NM_001142768.2, NM_001142773.2, NM_001354404.2); c.3942delT, p.Tyr1315Thrfs (NM_001142769.4); c.3928del, p.Tyr1310fs (NM_001354411.2); short protein forms Y1232fs, Y1266fs, Y1281fs, Y1303fs, Y1308fs, Y1310fs, Y1315fs.
Identifiers: ClinVar variation 1724407 (VCV001724407.2), dbSNP rs2492843561, ClinGen allele CA2580081604.